The following is an entry in ClinVar:

NM_001365536.1(SCN9A):c.567C>G (p.Asn189Lys)

Gene: SCN9A (sodium voltage-gated channel alpha subunit 9; minus strand). Cytogenetic location: 2q24.3.
Variant type: single nucleotide variant.
Coding change: c.567C>G on transcript NM_001365536.1 (MANE Select); coding-DNA position 567, C replaced by G.
Protein change: p.Asn189Lys; replaces asparagine 189 with lysine.
Molecular consequence: missense variant.
Genome position (GRCh38, 1-based): chr2:166,305,821, G>C on the plus strand (C>G on the coding strand, the complement: SCN9A is on the minus strand). VCF-style: chr2-166305821-G-C. GRCh37 (hg19) VCF-style: chr2-167162331-G-C.
Other names: c.567C>G, p.Asn189Lys (NM_002977.4); short protein forms N189K.
Identifiers: ClinVar variation 2922961 (VCV002922961.3), dbSNP rs1698735958, ClinGen allele CA349095016.

ClinVar aggregate classification (germline): Uncertain significance (1 of 4 stars; one submission).

Conditions:
Generalized epilepsy with febrile seizures plus, type 7 (GEFSP7). Also called: GEFS+, TYPE 7. Identifiers: Orphanet 36387, MedGen C2751778, MONDO:0013470, OMIM 613863.
Neuropathy, hereditary sensory and autonomic, type 2A (HSAN2A). Also called: ACROOSTEOLYSIS, GIACCAI TYPE; ACROOSTEOLYSIS, NEUROGENIC; HSAN IIA; WNK1-Related HSAN2 (HSAN2A); MORVAN DISEASE; NEUROPATHY, CONGENITAL SENSORY. Identifiers: Orphanet 970, MedGen C2752089, MONDO:0024309, OMIM 201300.

Allele frequency attached by ClinVar (database versions not stated): gnomAD exomes below 0.00001; TOPMed below 0.00001.
gnomAD v4.1: 3 of 1,613,424 alleles (0.00019%); highest among the groups gnomAD compares: Middle Eastern, 0.049%; 1 homozygote.

Submission:

Labcorp Genetics (formerly Invitae), Labcorp
Classification: Uncertain significance for Neuropathy, hereditary sensory and autonomic, type 2A; Generalized epilepsy with febrile seizures plus, type 7. Last evaluated: 2022-11-23. Review status: criteria provided, single submitter. Criteria: Invitae Variant Classification Sherloc (09022015). Collection method: clinical testing. Allele origin: germline.
Comment: In summary, the available evidence is currently insufficient to determine the role of this variant in disease. Therefore, it has been classified as a Variant of Uncertain Significance. Advanced modeling of protein sequence and biophysical properties (such as structural, functional, and spatial information, amino acid conservation, physicochemical variation, residue mobility, and thermodynamic stability) has been performed at Invitae for this missense variant, however the output from this modeling did not meet the statistical confidence thresholds required to predict the impact of this variant on SCN9A protein function. This variant has not been reported in the literature in individuals affected with SCN9A-related conditions. This variant is not present in population databases (gnomAD no frequency). This sequence change replaces asparagine, which is neutral and polar, with lysine, which is basic and polar, at codon 189 of the SCN9A protein (p.Asn189Lys).